The following is an entry in ClinVar:

ClinVar aggregate classification (germline): Uncertain significance. Review status: criteria provided, multiple submitters, no conflicts (2 of 4 stars). 2 submissions from 2 submitters: Uncertain significance (2). Last evaluated 2025-10-30.

Conditions:
Inborn genetic diseases. Identifiers: MedGen C0950123, MeSH D030342.

Allele frequency attached by ClinVar (database versions not stated): ExAC 0.00002; gnomAD exomes 0.00001; gnomAD 0.00001.
gnomAD v4.1: 21 of 1,565,012 alleles (0.0013%); highest among the groups gnomAD compares: Middle Eastern, 0.069%; no homozygotes.

Submissions (2):

Ambry Genetics
Classification: Uncertain significance for Inborn genetic diseases. Last evaluated: 2025-10-30. Review status: criteria provided, single submitter. Criteria: Ambry Variant Classification Scheme 2023. Collection method: clinical testing. Allele origin: germline.

Labcorp Genetics (formerly Invitae), Labcorp
Classification: Uncertain significance. Last evaluated: 2022-10-04. Review status: criteria provided, single submitter. Criteria: Invitae Variant Classification Sherloc (09022015). Collection method: clinical testing. Allele origin: germline.
Comment: This sequence change replaces glycine, which is neutral and non-polar, with alanine, which is neutral and non-polar, at codon 92 of the FLAD1 protein (p.Gly92Ala). This variant is present in population databases (rs756141523, gnomAD 0.02%). This variant has not been reported in the literature in individuals affected with FLAD1-related conditions. Algorithms developed to predict the effect of missense changes on protein structure and function output the following: SIFT: "Tolerated"; PolyPhen-2: "Benign"; Align-GVGD: "Class C0". The alanine amino acid residue is found in multiple mammalian species, which suggests that this missense change does not adversely affect protein function. In summary, the available evidence is currently insufficient to determine the role of this variant in disease. Therefore, it has been classified as a Variant of Uncertain Significance.

NM_025207.5(FLAD1):c.275G>C (p.Gly92Ala)

Gene: FLAD1 (flavin adenine dinucleotide synthetase 1; plus strand). Cytogenetic location: 1q21.3.
Variant type: single nucleotide variant.
Coding change: c.275G>C on transcript NM_025207.5 (MANE Select); coding-DNA position 275, G replaced by C.
Protein change: p.Gly92Ala; replaces glycine 92 with alanine.
Molecular consequence: missense variant. On other transcripts: 5 prime UTR variant (3).
Genome position (GRCh38, 1-based): chr1:154,983,969, G>C. VCF-style: chr1-154983969-G-C. GRCh37 (hg19) VCF-style: chr1-154956445-G-C.
Other names: c.-17G>C (NM_001184891.2, NM_201398.3); c.-662G>C (NM_001184892.2); c.275G>C (NM_025207.4); short protein forms G92A.
Identifiers: ClinVar variation 2069424 (VCV002069424.2), dbSNP rs756141523, ClinGen allele CA1134266.